The following is an entry in ClinVar:

NM_000156.6(GAMT):c.222_224del (p.Ala75del)

Gene: GAMT (guanidinoacetate N-methyltransferase; minus strand). Cytogenetic location: 19p13.3.
Variant type: Deletion.
Coding change: c.222_224del on transcript NM_000156.6 (MANE Select); coding-DNA positions 222 to 224, 3 bases deleted (AGC; older notation c.222_224delAGC).
Protein change: p.Ala75del; deletes alanine 75.
Molecular consequence: inframe deletion.
Genome position (GRCh38, 1-based): chr19:1,399,896-1,399,898, GCT deleted on the plus strand (AGC on the coding strand, the reverse complement: GAMT is on the minus strand); deleting any 3 consecutive bases within chr19:1,399,896-1,399,900 gives the same sequence; the c. name uses the placement nearest the transcript's 3' end. VCF-style (leftmost placement, unchanged base first): chr19-1399895-CGCT-C. GRCh37 (hg19) VCF-style: chr19-1399894-CGCT-C.
Other names: c.222_224del, p.Ala75del (NM_138924.3); short protein forms A75del.
Identifiers: ClinVar variation 3341091 (VCV003341091.2), dbSNP rs761621516.

ClinVar aggregate classification (germline): Pathogenic (1 of 4 stars; one submission).

Conditions:
Parkinson disease, late-onset (PD). Also called: Susceptibility to Parkinson's Disease; Hereditary late onset Parkinson disease; PARKINSON DISEASE, LATE-ONSET, SUSCEPTIBILITY TO. Identifiers: Orphanet 411602, MedGen C3160718, MONDO:0008199, OMIM 168600.

Submission:

Human Genetics Laboratory, State University of Rio de Janeiro
Classification: Pathogenic for Parkinson disease, late-onset. Last evaluated: 2024-09-12. Review status: criteria provided, single submitter. Criteria: ACMG Guidelines, 2015. Collection method: research. Allele origin: unknown. Inheritance: Autosomal recessive inheritance. Affected: yes. Observed: 1 homozygote.
Comment: The variant in exon 3 of the GBA1 gene (NM_000156.4:c.222_224delTAC; p.T75del; rs761621516) is an in-frame deletion affecting two codons: it removes the third position of the first codon and the first and second positions of the second codon.

Literature cited by the submitters: PubMed 19394250.